The following is an entry in ClinVar:

NM_001376.5(DYNC1H1):c.10952G>A (p.Arg3651His)

Gene: DYNC1H1 (dynein cytoplasmic 1 heavy chain 1; plus strand). Cytogenetic location: 14q32.31.
Variant type: single nucleotide variant.
Coding change: c.10952G>A on transcript NM_001376.5 (MANE Select); coding-DNA position 10952, G replaced by A.
Protein change: p.Arg3651His; replaces arginine 3651 with histidine.
Molecular consequence: missense variant.
Genome position (GRCh38, 1-based): chr14:102,038,503, G>A. VCF-style: chr14-102038503-G-A. GRCh37 (hg19) VCF-style: chr14-102504840-G-A.
Other names: short protein forms R3651H.
Identifiers: ClinVar variation 2063437 (VCV002063437.6), dbSNP rs763516982, ClinGen allele CA7353511.
Genomic context (GRCh38, chr14:102,038,503, plus strand): 5'-ACCCGTGTGGAATGCAGGATGTGGAAAGCTACGATCCAGTTTTGAACCCGGTGCTGAACC[G>A]TGAAGTGCGGCGAACAGGGGGGAGAGTGCTGATCACTCTCGGGGACCAGGACATAGACCT-3'
Protein context (NP_001367.2, residues 3641-3661): YDPVLNPVLN[Arg3651His]EVRRTGGRVL

ClinVar aggregate classification (germline): Likely benign. Review status: criteria provided, multiple submitters, no conflicts (2 of 4 stars). 2 submissions from 2 submitters: Likely benign (2). Last evaluated 2025-02-26.

Conditions:
Charcot-Marie-Tooth disease axonal type 2O. Also called: CHARCOT-MARIE-TOOTH NEUROPATHY, AXONAL, TYPE 2O; CHARCOT-MARIE-TOOTH DISEASE, AXONAL, AUTOSOMAL DOMINANT, TYPE 2O; Charcot-Marie-Tooth Neuropathy Type 2O; Charcot-Marie-Tooth disease, axonal, type 20. Identifiers: Orphanet 284232, MedGen C3280220, MONDO:0013644, OMIM 614228.

Allele frequency attached by ClinVar (database versions not stated): gnomAD exomes below 0.00001; ExAC 0.00001.
gnomAD v4.1: 5 of 1,614,180 alleles (0.00031%); highest among the groups gnomAD compares: South Asian, 0.0011%; no homozygotes.

Submissions (2):

Labcorp Genetics (formerly Invitae), Labcorp
Classification: Likely benign for Charcot-Marie-Tooth disease axonal type 2O. Last evaluated: 2025-02-26. Review status: criteria provided, single submitter. Criteria: Invitae Variant Classification Sherloc (09022015). Collection method: clinical testing. Allele origin: germline.

Women's Health and Genetics/Laboratory Corporation of America, LabCorp
Classification: Likely benign. Last evaluated: 2025-01-03. Review status: criteria provided, single submitter. Criteria: LabCorp Variant Classification Summary - May 2015. Collection method: clinical testing. Allele origin: germline.
Comment: Variant summary: DYNC1H1 c.10952G>A (p.Arg3651His) results in a non-conservative amino acid change in the encoded protein sequence. Three of five in-silico tools predict a damaging effect of the variant on protein function. The variant allele was found at a frequency of 1.2e-05 in 251412 control chromosomes (gnomAD), which is significantly higher than the maximal pathogenic allele frequency for DYNC1H1 (1e-06). To our knowledge, no occurrence of c.10952G>A in individuals affected with Charcot-Marie-Tooth disease axonal type 2O and no experimental evidence demonstrating its impact on protein function have been reported. ClinVar contains an entry for this variant (Variation ID: 2063437). Based on the evidence outlined above, the variant was classified as likely benign.